The following is an entry in ClinVar:

ClinVar aggregate classification (germline): Likely pathogenic (1 of 4 stars; one submission).

Conditions:
Arrhythmogenic right ventricular dysplasia 8 (ARVD8). Also called: Arrhythmogenic Right Ventricular Dysplasia/Cardiomyopathy 8; ARRHYTHMOGENIC RIGHT VENTRICULAR DYSPLASIA, FAMILIAL, 8; ARRHYTHMOGENIC RIGHT VENTRICULAR CARDIOMYOPATHY 8. Identifiers: MedGen C1843896, MONDO:0011831, OMIM 607450.

Submission:

3billion
Classification: Likely pathogenic for Arrhythmogenic right ventricular dysplasia 8. Last evaluated: 2025-08-13. Review status: criteria provided, single submitter. Criteria: ACMG Guidelines, 2015. Collection method: clinical testing. Allele origin: germline. Affected: yes.
Comment: The variant is not observed in the gnomAD v4.1.0 dataset. Predicted Consequence/Location: Frameshift: predicted to result in a loss or disruption of normal protein function through nonsense-mediated decay (NMD) or protein truncation. Multiple pathogenic variants are reported downstream of the variant. Therefore, this variant is classified as Likely pathogenic according to the recommendation of ACMG/AMP guideline.

NM_004415.4(DSP):c.5247del (p.Leu1750fs)

Gene: DSP (desmoplakin; plus strand). Cytogenetic location: 6p24.3.
Variant type: Deletion.
Coding change: c.5247del on transcript NM_004415.4 (MANE Select); coding-DNA position 5247, one base deleted (C; older notation c.5247delC).
Protein change: p.Leu1750fs; shifts the reading frame from leucine 1750.
Molecular consequence: frameshift variant. On other transcripts: intron variant (2).
Genome position (GRCh38, 1-based): chr6:7,581,437, C deleted. VCF-style (leftmost placement, unchanged base first): chr6-7581436-TC-T. GRCh37 (hg19) VCF-style: chr6-7581669-TC-T.
Other names: c.4050+1197del (NM_001319034.2); c.3583-1205del (NM_001008844.3); short protein forms L1750fs.
Identifiers: ClinVar variation 4854960 (VCV004854960.1).